The following is an entry in ClinVar:

ClinVar aggregate classification (germline): Uncertain significance (1 of 4 stars; one submission).

Conditions:
Holocarboxylase synthetase deficiency. Also called: MULTIPLE CARBOXYLASE DEFICIENCY, EARLY ONSET. Identifiers: Orphanet 79242, MedGen C0268581, MONDO:0009666, OMIM 253270.

Allele frequency attached by ClinVar (database versions not stated): ExAC 0.00002; ESP Exome Variant Server 0.00008.
gnomAD v4.1: 13 of 1,614,150 alleles (0.00081%); highest among the groups gnomAD compares: Non-Finnish European, 0.0011%; no homozygotes.

Submission:

Labcorp Genetics (formerly Invitae), Labcorp
Classification: Uncertain significance for Holocarboxylase synthetase deficiency. Last evaluated: 2022-02-23. Review status: criteria provided, single submitter. Criteria: Invitae Variant Classification Sherloc (09022015). Collection method: clinical testing. Allele origin: germline.
Comment: This sequence change replaces proline, which is neutral and non-polar, with alanine, which is neutral and non-polar, at codon 295 of the HLCS protein (p.Pro295Ala). This variant is present in population databases (rs369820978, gnomAD 0.003%). This variant has not been reported in the literature in individuals affected with HLCS-related conditions. Advanced modeling of protein sequence and biophysical properties (such as structural, functional, and spatial information, amino acid conservation, physicochemical variation, residue mobility, and thermodynamic stability) performed at Invitae indicates that this missense variant is not expected to disrupt HLCS protein function. In summary, the available evidence is currently insufficient to determine the role of this variant in disease. Therefore, it has been classified as a Variant of Uncertain Significance.

NM_001352514.2(HLCS):c.1324C>G (p.Pro442Ala)

Gene: HLCS (holocarboxylase synthetase; minus strand). Cytogenetic location: 21q22.13.
Variant type: single nucleotide variant.
Coding change: c.1324C>G on transcript NM_001352514.2 (MANE Select); coding-DNA position 1324, C replaced by G.
Protein change: p.Pro442Ala; replaces proline 442 with alanine.
Molecular consequence: missense variant. On other transcripts: non-coding transcript variant (2).
Genome position (GRCh38, 1-based): chr21:36,936,562, G>C on the plus strand (C>G on the coding strand, the complement: HLCS is on the minus strand). VCF-style: chr21-36936562-G-C. GRCh37 (hg19) VCF-style: chr21-38308862-G-C.
Other names: c.883C>G, p.Pro295Ala (NM_000411.8, NM_001242784.3, NM_001242785.2 and 4 more transcripts); short protein forms P442A, P295A.
Identifiers: ClinVar variation 2058155 (VCV002058155.1), dbSNP rs369820978, ClinGen allele CA10020596.